The following is an entry in ClinVar:

ClinVar aggregate classification (germline): Pathogenic (1 of 4 stars; one submission).

Conditions:
Hereditary spastic paraplegia 4. Also called: Spastic paraplegia 4, autosomal dominant; Spastic Paraplegia 4; Familial spastic paraplegia autosomal dominant 2. Identifiers: Orphanet 100985, MedGen C1866855, MONDO:0008438, OMIM 182601.

Submission:

Labcorp Genetics (formerly Invitae), Labcorp
Classification: Pathogenic for Hereditary spastic paraplegia 4. Last evaluated: 2023-12-01. Review status: criteria provided, single submitter. Criteria: Invitae Variant Classification Sherloc (09022015). Collection method: clinical testing. Allele origin: germline.
Comment: This variant is a gross deletion of the genomic region encompassing exon(s) 5-7 of the SPAST gene. This deletion is out-of-frame, and is expected to create a premature termination codon and result in an absent or disrupted protein product. Loss-of-function variants in SPAST are known to be pathogenic (PMID: 20932283). A similar copy number variant has been observed in individuals with hereditary spastic paraplegia (PMID: 17035675, 25065914). For these reasons, this variant has been classified as Pathogenic.

Literature cited by the submitters: PubMed 20932283; PubMed 17035675; PubMed 25065914.

NC_000002.11:g.(?_32339687)_(32341301_?)del

Gene: SPAST (spastin; plus strand). Cytogenetic location: 2p22.3.
Variant type: Deletion.
Identifiers: ClinVar variation 1459714 (VCV001459714.6).